The following is an entry in ClinVar:

NM_000297.4(PKD2):c.681C>A (p.Tyr227Ter)

Gene: PKD2 (polycystin 2, transient receptor potential cation channel; plus strand). Cytogenetic location: 4q22.1.
Variant type: single nucleotide variant.
Coding change: c.681C>A on transcript NM_000297.4 (MANE Select); coding-DNA position 681, C replaced by A.
Protein change: p.Tyr227Ter; replaces tyrosine 227 with a stop codon.
Molecular consequence: nonsense. On other transcripts: non-coding transcript variant (1).
Genome position (GRCh38, 1-based): chr4:88,019,543, C>A. VCF-style: chr4-88019543-C-A. GRCh37 (hg19) VCF-style: chr4-88940695-C-A.
Other names: short protein forms Y227*.
Identifiers: ClinVar variation 2662709 (VCV002662709.1), dbSNP rs879247939, ClinGen allele CA357628496.

ClinVar aggregate classification (germline): Pathogenic (1 of 4 stars; one submission).

Allele frequency attached by ClinVar (database versions not stated): gnomAD exomes below 0.00001.
gnomAD v4.1: 1 of 1,582,648 alleles (0.000063%); highest among the groups gnomAD compares: Non-Finnish European, 0.000087%; no homozygotes.

Submission:

GeneDx
Classification: Pathogenic. Last evaluated: 2023-04-18. Review status: criteria provided, single submitter. Criteria: GeneDx Variant Classification Process June 2021. Collection method: clinical testing. Allele origin: germline. Affected: yes.
Comment: Nonsense variant predicted to result in protein truncation or nonsense mediated decay in a gene for which loss of function is a known mechanism of disease; Not observed at significant frequency in large population cohorts (gnomAD); This variant is associated with the following publications: (PMID: 34101167, 15717641)